The following is an entry in ClinVar:

NM_006790.3(MYOT):c.1325-1G>A

Genes: MYOT (myotilin; plus strand), PKD2L2-DT (PKD2L2 divergent transcript; minus strand). Cytogenetic location: 5q31.2.
Variant type: single nucleotide variant.
Coding change: c.1325-1G>A on transcript NM_006790.3 (MANE Select); the canonical splice acceptor site of the intron before coding-DNA position 1325, G replaced by A.
Molecular consequence: splice acceptor variant.
Genome position (GRCh38, 1-based): chr5:137,887,212, G>A. VCF-style: chr5-137887212-G-A. GRCh37 (hg19) VCF-style: chr5-137222901-G-A.
Other names: c.980-1G>A (NM_001300911.2); c.773-1G>A (NM_001135940.2).
Identifiers: ClinVar variation 2420968 (VCV002420968.10), dbSNP rs2532026613, ClinGen allele CA361056691.

ClinVar aggregate classification (germline): Uncertain significance (1 of 4 stars; one submission).

Conditions:
Myofibrillar myopathy 3 (MFM3). Also called: Muscular dystrophy, proximal, type 1A; Autosomal dominant spheroid body myopathy. Identifiers: Orphanet 266, Orphanet 268129, MedGen C3714934, MONDO:0012215, OMIM 609200.

Submission:

Labcorp Genetics (formerly Invitae), Labcorp
Classification: Uncertain significance for Myofibrillar myopathy 3. Last evaluated: 2022-01-26. Review status: criteria provided, single submitter. Criteria: Invitae Variant Classification Sherloc (09022015). Collection method: clinical testing. Allele origin: germline.
Comment: This sequence change falls in intron 9 of the MYOT gene. It does not directly change the encoded amino acid sequence of the MYOT protein. It affects a nucleotide within the consensus splice site. This variant is not present in population databases (gnomAD no frequency). This variant has not been reported in the literature in individuals affected with MYOT-related conditions. Variants that disrupt the consensus splice site are a relatively common cause of aberrant splicing (PMID: 17576681, 9536098). Algorithms developed to predict the effect of sequence changes on RNA splicing suggest that this variant may disrupt the consensus splice site. In summary, the available evidence is currently insufficient to determine the role of this variant in disease. Therefore, it has been classified as a Variant of Uncertain Significance.

Literature cited by the submitters: PubMed 17576681; PubMed 9536098.